The following is an entry in ClinVar:

NM_016252.4(BIRC6):c.11032A>G (p.Ile3678Val)

Gene: BIRC6 (baculoviral IAP repeat containing 6; plus strand). Cytogenetic location: 2p22.3.
Variant type: single nucleotide variant.
Coding change: c.11032A>G on transcript NM_016252.4 (MANE Select); coding-DNA position 11032, A replaced by G.
Protein change: p.Ile3678Val; replaces isoleucine 3678 with valine.
Molecular consequence: missense variant.
Genome position (GRCh38, 1-based): chr2:32,515,453, A>G. VCF-style: chr2-32515453-A-G. GRCh37 (hg19) VCF-style: chr2-32740520-A-G.
Other names: c.11029A>G, p.Ile3677Val (NM_001378125.1); short protein forms I3677V, I3678V.
Identifiers: ClinVar variation 3025000 (VCV003025000.22), dbSNP rs142001189, ClinGen allele CA1604910.
Genomic context (GRCh38, chr2:32,515,453, plus strand): 5'-GATATTTCCCAGGACAAACTCAGGCGCCATCATGTCCCACAACAATGTAATAAGATGCCT[A>G]TCACAGCCGACCTAGTTGCTCCTATTCTTAGGTTTTTGACAGAAGTTGGCAATAGCCATA-3'
Protein context (NP_057336.3, residues 3668-3688): HVPQQCNKMP[Ile3678Val]TADLVAPILR

ClinVar aggregate classification (germline): Likely benign (1 of 4 stars; one submission).

Allele frequency attached by ClinVar (database versions not stated): TOPMed 0.00027; gnomAD 0.00031; gnomAD exomes 0.00043; 1000 Genomes Project 30x 0.00047; ESP Exome Variant Server 0.00054; 1000 Genomes Project 0.00060; ExAC 0.00079.
gnomAD v4.1: 689 of 1,613,408 alleles (0.043%); highest among the groups gnomAD compares: South Asian, 0.24%; 3 homozygotes.

Submission:

CeGaT Center for Human Genetics Tuebingen
Classification: Likely benign. Last evaluated: 2024-01-01. Review status: criteria provided, single submitter. Criteria: CeGaT Center For Human Genetics Tuebingen Variant Classification Criteria Version 2. Collection method: clinical testing. Allele origin: germline. Affected: yes. Observed: 1 variant allele.
Comment: BIRC6: BP4